The following is an entry in ClinVar:

ClinVar aggregate classification (germline): Conflicting classifications of pathogenicity. Review status: criteria provided, conflicting classifications (1 of 4 stars). 3 submissions from 3 submitters: Uncertain significance (2); Likely benign (1). Last evaluated 2025-03-20.

Conditions:
Congenital anomalies of kidney and urinary tract syndrome with or without hearing loss, abnormal ears, or developmental delay. Also called: Congenital Anomalies of the Kidney and Urinary Tract syndrome with or without Hearing Loss, Abnormal Ears, or Developmental Delay. Identifiers: Orphanet 656130, MedGen C4539968, MONDO:0060549, OMIM 617641.

Submissions (3):

Labcorp Genetics (formerly Invitae), Labcorp
Classification: Uncertain significance. Last evaluated: 2025-03-20. Review status: criteria provided, single submitter. Criteria: Invitae Variant Classification Sherloc (09022015). Collection method: clinical testing. Allele origin: germline.
Comment: This variant, c.393_401dup, results in the insertion of 3 amino acid(s) of the PBX1 protein (p.Ala133_Ala135dup), but otherwise preserves the integrity of the reading frame. This variant is present in population databases (rs770921151, gnomAD 0.01%). This variant has not been reported in the literature in individuals affected with PBX1-related conditions. In summary, the available evidence is currently insufficient to determine the role of this variant in disease. Therefore, it has been classified as a Variant of Uncertain Significance.

Blueprint Genetics
Classification: Likely benign. Last evaluated: 2024-08-08. Review status: criteria provided, single submitter. Criteria: ACMG Guidelines, 2015. Collection method: clinical testing. Allele origin: germline.

Juno Genomics, Hangzhou Juno Genomics, Inc
Classification: Uncertain significance for Congenital anomalies of kidney and urinary tract syndrome with or without hearing loss, abnormal ears, or developmental delay. Review status: criteria provided, single submitter. Criteria: ACMG Guidelines, 2015. Collection method: clinical testing. Allele origin: germline.
Comment: Absent from controls (or at extremely low frequency if recessive) in Genome Aggregation Database.;Protein length changes due to in-frame deletions/insertions in a non-repeat region or stop-loss variants.

NM_002585.4(PBX1):c.384AGCGGCGGC[3] (p.Ala135_Ser136insAlaAlaAla)

Gene: PBX1 (PBX homeobox 1; plus strand). Cytogenetic location: 1q23.3.
Variant type: Microsatellite.
Coding change: c.384AGCGGCGGC[3] on transcript NM_002585.4 (MANE Select); three copies in a row of the 9-base unit AGCGGCGGC starting at c.384; the reference has two copies in a row; one copy, 9 bases duplicated; also written c.393_401dup.
Protein change: p.Ala135_Ser136insAlaAlaAla.
Molecular consequence: inframe insertion.
Genome position (GRCh38, 1-based): chr1:164,792,621-164,792,629, AGCGGCGGC duplicated; duplicating any 9 consecutive bases within chr1:164,792,605-164,792,629 gives the same sequence; the position shown is the placement nearest the transcript's 3' end. VCF-style (leftmost placement, unchanged base first): chr1-164792604-T-TCGGCGGCAG. GRCh37 (hg19) VCF-style: chr1-164761841-T-TCGGCGGCAG.
Other names: c.384AGCGGCGGC[3], p.Ala135_Ser136insAlaAlaAla (NM_001204961.2, NM_001204963.2, NM_001353131.2); c.135AGCGGCGGC[3], p.Ala52_Ser53insAlaAlaAla (NM_001353130.1); c.393_401dup (NM_002585.4).
Identifiers: ClinVar variation 2061338 (VCV002061338.7), dbSNP rs770921151, ClinGen allele CA1219355.
Genomic context (GRCh38, chr1:164,792,604, plus strand): 5'-ATGCGGCTGGACAACATGCTGTTAGCGGAAGGCGTGGCGGGGCCTGAGAAGGGCGGAGGG[T>TCGGCGGCAG]CGGCGGCAGCGGCGGCAGCGGCGGCGGCTTCTGGAGGGGCAGGTTCAGACAACTCAGTGG-3'